The following is an entry in ClinVar:

ClinVar aggregate classification (germline): Pathogenic (1 of 4 stars; one submission).

Conditions:
Neuronal ceroid lipofuscinosis. Also called: Neuronal Ceroid Lipofuscinoses. Identifiers: Orphanet 216, Orphanet 79263, MedGen C0027877, MONDO:0016295. Disease mechanism: loss of function.

Submission:

Labcorp Genetics (formerly Invitae), Labcorp
Classification: Pathogenic for Neuronal ceroid lipofuscinosis. Last evaluated: 2024-02-23. Review status: criteria provided, single submitter. Criteria: Invitae Variant Classification Sherloc (09022015). Collection method: clinical testing. Allele origin: germline.
Comment: This sequence change affects the initiator methionine of the CLN6 mRNA. The next in-frame methionine is located at codon 66. This variant is not present in population databases (gnomAD no frequency). This variant has not been reported in the literature in individuals affected with CLN6-related conditions. This variant disrupts a region of the CLN6 protein in which other variant(s) (p.Arg62Cys) have been determined to be pathogenic (PMID: 12815591, 19135028, 31216804). This suggests that this is a clinically significant region of the protein, and that variants that disrupt it are likely to be disease-causing. For these reasons, this variant has been classified as Pathogenic.

Literature cited by the submitters: PubMed 12815591; PubMed 19135028; PubMed 31216804.

NM_017882.3(CLN6):c.1A>C (p.Met1Leu)

Gene: CLN6 (CLN6 transmembrane ER protein; minus strand). Cytogenetic location: 15q23.
Variant type: single nucleotide variant.
Coding change: c.1A>C on transcript NM_017882.3 (MANE Select); coding-DNA position 1, A replaced by C.
Protein change: p.Met1Leu; changes the start codon (methionine 1).
Molecular consequence: missense variant, initiator codon variant. On other transcripts: intron variant (1).
Genome position (GRCh38, 1-based): chr15:68,229,584, T>G on the plus strand (A>C on the coding strand, the complement: CLN6 is on the minus strand). VCF-style: chr15-68229584-T-G. GRCh37 (hg19) VCF-style: chr15-68521922-T-G.
Other names: c.180-10934A>C (NM_001411068.1); short protein forms M1L.
Identifiers: ClinVar variation 2822545 (VCV002822545.3), dbSNP rs1555440206, ClinGen allele CA392978407.
Genomic context (GRCh38, chr15:68,229,584, plus strand): 5'-CCAGCTGCGCGCCTGGGCCGCCCGTCGCTCCCAGGTGCTGCCGCCTCCGCGTCGCCTCCA[T>G]GGCTGCCCCGCAGGCCCCTCGGCCCTGCCTTTCCGAGGAAGAGACCGGTTCAGCTCGGCT-3'
Protein context (NP_060352.1, residues 1-11): [Met1Leu]EATRRRQHLG